The following is an entry in ClinVar:

NM_003680.4(YARS1):c.381-6C>T

Gene: YARS1 (tyrosyl-tRNA synthetase 1; minus strand). Cytogenetic location: 1p35.1.
Variant type: single nucleotide variant.
Coding change: c.381-6C>T on transcript NM_003680.4 (MANE Select); 6 bases into the intron before coding-DNA position 381, C replaced by T.
Molecular consequence: intron variant.
Genome position (GRCh38, 1-based): chr1:32,806,617, G>A on the plus strand (C>T on the coding strand, the complement: YARS1 is on the minus strand). VCF-style: chr1-32806617-G-A. GRCh37 (hg19) VCF-style: chr1-33272218-G-A.
Identifiers: ClinVar variation 389313 (VCV000389313.13), dbSNP rs376982377, ClinGen allele CA745209.

ClinVar aggregate classification (germline): Conflicting classifications of pathogenicity. Review status: criteria provided, conflicting classifications (1 of 4 stars). 4 submissions from 4 submitters: Uncertain significance (1); Likely benign (3). Last evaluated 2025-08-02.

Conditions:
Charcot-Marie-Tooth disease dominant intermediate C (CMTDIC). Also called: CHARCOT-MARIE-TOOTH NEUROPATHY, DOMINANT INTERMEDIATE C. Identifiers: Orphanet 100045, MedGen C1842237, MONDO:0012012, OMIM 608323.

Allele frequency attached by ClinVar (database versions not stated): gnomAD exomes 0.00001 and 0.00002; ExAC 0.00002; gnomAD 0.00003; TOPMed 0.00003; ESP Exome Variant Server 0.00008.
gnomAD v4.1: 33 of 1,614,020 alleles (0.002%); highest among the groups gnomAD compares: Non-Finnish European, 0.0028%; no homozygotes.

Submissions (4):

Labcorp Genetics (formerly Invitae), Labcorp
Classification: Likely benign for Charcot-Marie-Tooth disease dominant intermediate C. Last evaluated: 2025-08-02. Review status: criteria provided, single submitter. Criteria: Invitae Variant Classification Sherloc (09022015). Collection method: clinical testing. Allele origin: germline.

Athena Diagnostics
Classification: Uncertain significance. Last evaluated: 2025-03-28. Review status: criteria provided, single submitter. Criteria: Athena Diagnostics Criteria. Collection method: clinical testing. Allele origin: unknown.
Comment: Available data are insufficient to determine the clinical significance of the variant at this time. The frequency of this variant in the general population is uninformative in assessment of its pathogenicity. Computational tools yielded predictions that this variant is unlikely to have an effect on normal RNA splicing.

Blueprint Genetics
Classification: Likely benign. Last evaluated: 2024-10-18. Review status: criteria provided, single submitter. Criteria: ACMG Guidelines, 2015. Collection method: clinical testing. Allele origin: germline.

GeneDx
Classification: Likely benign. Last evaluated: 2016-09-16. Review status: criteria provided, single submitter. Criteria: GeneDx Variant Classification (06012015). Collection method: clinical testing. Allele origin: germline. Affected: yes.
Comment: This variant is considered likely benign or benign based on one or more of the following criteria: it is a conservative change, it occurs at a poorly conserved position in the protein, it is predicted to be benign by multiple in silico algorithms, and/or has population frequency not consistent with disease.